The following is an entry in ClinVar:

ClinVar aggregate classification (germline): Uncertain significance. Review status: criteria provided, multiple submitters, no conflicts (2 of 4 stars). 3 submissions from 3 submitters: Uncertain significance (3). Last evaluated 2026-10-06.

Conditions:
Melanoma, cutaneous malignant, susceptibility to, 8. Also called: MELANOMA AND RENAL CELL CARCINOMA, SUSCEPTIBILITY TO; Cutaneous malignant melanoma 8. Identifiers: Orphanet 293822, MedGen C3152204, MONDO:0013759, OMIM 614456.
Tietz syndrome (TADS). Also called: ALBINISM-DEAFNESS OF TIETZ; HYPOPIGMENTATION/DEAFNESS OF TIETZ; TIETZ ALBINISM-DEAFNESS SYNDROME. Identifiers: Orphanet 42665, MedGen C0391816, MONDO:0007077, OMIM 103500.
Waardenburg syndrome type 2A (WS2A). Also called: WAARDENBURG SYNDROME WITHOUT DYSTOPIA CANTHORUM. Identifiers: Orphanet 3440, MedGen C1860339, MONDO:0008671, OMIM 193510.

Allele frequency attached by ClinVar (database versions not stated): gnomAD exomes 0.00001; TOPMed 0.00003; gnomAD 0.00003.
gnomAD v4.1: 9 of 1,613,814 alleles (0.00056%); highest among the groups gnomAD compares: Admixed American, 0.013%; no homozygotes.

Submissions (3):

GeneDx
Classification: Uncertain significance. Last evaluated: 2026-10-06. Review status: criteria provided, single submitter. Criteria: GeneDx Variant Classification Process June 2021. Collection method: clinical testing. Allele origin: germline.
Comment: In silico analysis supports that this missense variant has a deleterious effect on protein structure/function; Has not been previously published as pathogenic or benign to our knowledge

Labcorp Genetics (formerly Invitae), Labcorp
Classification: Uncertain significance for Melanoma, cutaneous malignant, susceptibility to, 8; Waardenburg syndrome type 2A; Tietz syndrome. Last evaluated: 2025-12-21. Review status: criteria provided, single submitter. Criteria: Invitae Variant Classification Sherloc (09022015). Collection method: clinical testing. Allele origin: germline.
Comment: This sequence change replaces serine, which is neutral and polar, with phenylalanine, which is neutral and non-polar, at codon 394 of the MITF protein (p.Ser394Phe). This variant is present in population databases (no rsID available, gnomAD 0.006%). This variant has not been reported in the literature in individuals affected with MITF-related conditions. ClinVar contains an entry for this variant (Variation ID: 2077794). Invitae Evidence Modeling of protein sequence and biophysical properties (such as structural, functional, and spatial information, amino acid conservation, physicochemical variation, residue mobility, and thermodynamic stability) indicates that this missense variant is not expected to disrupt MITF protein function with a negative predictive value of 80%. In summary, the available evidence is currently insufficient to determine the role of this variant in disease. Therefore, it has been classified as a Variant of Uncertain Significance.

St. Jude Molecular Pathology, St. Jude Children's Research Hospital
Classification: Uncertain significance for Melanoma, cutaneous malignant, susceptibility to, 8. Last evaluated: 2023-12-14. Review status: criteria provided, single submitter. Criteria: St. Jude Assertion Criteria 2020. Collection method: clinical testing. Allele origin: germline.
Comment: The MITF c.1484C>T (p.Ser495Phe) missense change has a maximum subpopulation frequency of 0.0085% in gnomAD v2.1.1. The in silico tool REVEL is inconclusive about a pathogenic or benign effect of this variant on protein function, and to our knowledge functional studies have not been performed. To our knowledge, this variant has not been reported in individuals with melanoma and renal cell carcinoma. In summary, the evidence currently available is insufficient to determine the clinical significance of this variant. It has therefore been classified as of uncertain significance.

NM_001354604.2(MITF):c.1502C>T (p.Ser501Phe)

Gene: MITF (melanocyte inducing transcription factor; plus strand). Cytogenetic location: 3p13.
Variant type: single nucleotide variant.
Coding change: c.1502C>T on transcript NM_001354604.2 (MANE Select); coding-DNA position 1502, C replaced by T.
Protein change: p.Ser501Phe; replaces serine 501 with phenylalanine.
Molecular consequence: missense variant.
Genome position (GRCh38, 1-based): chr3:69,965,169, C>T. VCF-style: chr3-69965169-C-T. GRCh37 (hg19) VCF-style: chr3-70014320-C-T.
Other names: c.1181C>T, p.Ser394Phe (NM_000248.4); c.1328C>T, p.Ser443Phe (NM_001184967.2, NM_001354608.2); c.1499C>T, p.Ser500Phe (NM_001354605.2); c.1481C>T, p.Ser494Phe (NM_001354606.2, NM_006722.3); c.1433C>T, p.Ser478Phe (NM_001354607.2); c.1163C>T, p.Ser388Phe (NM_198158.3); c.1484C>T, p.Ser495Phe (NM_198159.3); c.1436C>T, p.Ser479Phe (NM_198177.3); and 1 more; short protein forms S332F, S478F, S494F, S388F, S479F, S500F, S501F, S394F.
Identifiers: ClinVar variation 2077794 (VCV002077794.6), dbSNP rs1465717485, ClinGen allele CA353559976.